The following is an entry in ClinVar:

NM_004667.6(HERC2):c.643+5G>A

Gene: HERC2 (HECT and RLD domain containing E3 ubiquitin protein ligase 2; minus strand). Cytogenetic location: 15q13.1.
Variant type: single nucleotide variant.
Coding change: c.643+5G>A on transcript NM_004667.6 (MANE Select); 5 bases into the intron after coding-DNA position 643, G replaced by A.
Molecular consequence: intron variant.
Genome position (GRCh38, 1-based): chr15:28,274,900, C>T on the plus strand (G>A on the coding strand, the complement: HERC2 is on the minus strand). VCF-style: chr15-28274900-C-T. GRCh37 (hg19) VCF-style: chr15-28520046-C-T.
Other names: NC_000015.9:g.28520046C>T.
Identifiers: ClinVar variation 710370 (VCV000710370.43), dbSNP rs117411594, ClinGen allele CA7443642.
Genomic context (GRCh38, chr15:28,274,900, plus strand): 5'-AGTTCGAAACCCAGTCTGTTGATGTATTAGGGAAGCAGAACAACGCGCCACACCAGGGAC[C>T]GTACCTGATCGCCAGGCCCTGCGCAGGAAGGCAAAGGCAAAAGACAGCGCCGCTCGGGAT-3'

ClinVar aggregate classification (germline): Likely benign. Review status: criteria provided, multiple submitters, no conflicts (2 of 4 stars). 4 submissions from 4 submitters: Likely benign (4). Last evaluated 2026-07-01.

Allele frequency attached by ClinVar (database versions not stated): 1000 Genomes Project 0.00140; 1000 Genomes Project 30x 0.00141; TOPMed 0.00283; gnomAD 0.00346 and 0.00367; ESP Exome Variant Server 0.00369.
gnomAD v4.1: 8,045 of 1,608,256 alleles (0.5%); highest among the groups gnomAD compares: Non-Finnish European, 0.6%; 33 homozygotes.

Submissions (10):

CeGaT Center for Human Genetics Tuebingen
Classification: Likely benign. Last evaluated: 2026-07-01. Review status: criteria provided, single submitter. Criteria: CeGaT Center For Human Genetics Tuebingen Variant Classification Criteria Version 2. Collection method: clinical testing. Allele origin: germline. Affected: yes. Observed: 25 variant alleles.
Comment: HERC2: BP4, BS2

Blueprint Genetics
Classification: Likely benign. Last evaluated: 2024-11-05. Review status: criteria provided, single submitter. Criteria: ACMG Guidelines, 2015. Collection method: clinical testing. Allele origin: germline.

Labcorp Genetics (formerly Invitae), Labcorp
Classification: Likely benign. Last evaluated: 2019-12-31. Review status: criteria provided, single submitter. Criteria: Invitae Variant Classification Sherloc (09022015). Collection method: clinical testing. Allele origin: germline.

Breakthrough Genomics
Classification: Likely benign. Review status: criteria provided, single submitter. Criteria: ACMG Guidelines, 2015. Collection method: not provided. Allele origin: germline. Inheritance: Autosomal recessive inheritance. Affected: yes.

Dr. Peter K. Rogan Lab, Western University
No classification provided (evidence only). Condition: Clear cell carcinoma of kidney. Review status: no classification provided. Collection method: in vitro. Allele origin: not applicable. Functional consequence: retained intron. Not counted in ClinVar's aggregate classification.

Dr. Peter K. Rogan Lab, Western University
No classification provided (evidence only). Condition: Acute myeloid leukemia. Review status: no classification provided. Collection method: in vitro. Allele origin: not applicable. Functional consequence: retained intron. Not counted in ClinVar's aggregate classification.

Dr. Peter K. Rogan Lab, Western University
No classification provided (evidence only). Condition: Acute myeloid leukemia. Review status: no classification provided. Collection method: in vitro. Allele origin: not applicable. Functional consequence: retained intron. Not counted in ClinVar's aggregate classification.

Dr. Peter K. Rogan Lab, Western University
No classification provided (evidence only). Condition: Acute myeloid leukemia. Review status: no classification provided. Collection method: in vitro. Allele origin: not applicable. Functional consequence: retained intron. Not counted in ClinVar's aggregate classification.

Dr. Peter K. Rogan Lab, Western University
No classification provided (evidence only). Condition: Acute myeloid leukemia. Review status: no classification provided. Collection method: in vitro. Allele origin: not applicable. Functional consequence: retained intron. Not counted in ClinVar's aggregate classification.

Dr. Peter K. Rogan Lab, Western University
No classification provided (evidence only). Condition: Malignant tumor of esophagus. Review status: no classification provided. Collection method: in vitro. Allele origin: not applicable. Functional consequence: retained intron. Not counted in ClinVar's aggregate classification.